The following is an entry in ClinVar:

NM_014727.3(KMT2B):c.7810T>C (p.Tyr2604His)

Gene: KMT2B (lysine methyltransferase 2B; plus strand). Cytogenetic location: 19q13.12.
Variant type: single nucleotide variant.
Coding change: c.7810T>C on transcript NM_014727.3 (MANE Select); coding-DNA position 7810, T replaced by C.
Protein change: p.Tyr2604His; replaces tyrosine 2604 with histidine.
Molecular consequence: missense variant.
Genome position (GRCh38, 1-based): chr19:35,738,129, T>C. VCF-style: chr19-35738129-T-C. GRCh37 (hg19) VCF-style: chr19-36229030-T-C.
Other names: c.7810T>C (NM_014727.2); short protein forms Y2604H.
Identifiers: ClinVar variation 3777178 (VCV003777178.1).
Genomic context (GRCh38, chr19:35,738,129, plus strand): 5'-ATCCACGGGCGAGGCCTGTTCTGTAAGCGCAACATCGACGCGGGGGAGATGGTCATCGAG[T>C]ACTCTGGCATTGTCATCCGCTCGGTGTTGACTGACAAGCGGGAGAAGTTCTACGATGGGA-3'
Protein context (NP_055542.1, residues 2594-2614): NIDAGEMVIE[Tyr2604His]SGIVIRSVLT

ClinVar aggregate classification (germline): Uncertain significance (1 of 4 stars; one submission).

Conditions:
Dystonia 28, childhood-onset (DYT28). Also called: KMT2B-Related Dystonia (DYT-KMT2B). Identifiers: Orphanet 589618, MedGen C4310633, MONDO:0015004, OMIM 617284.
Intellectual developmental disorder, autosomal dominant 68 (MRD68). Also called: MENTAL RETARDATION, AUTOSOMAL DOMINANT 68. Identifiers: MedGen C5677008, MONDO:0030969, OMIM 619934.

Submission:

University of Washington Department of Laboratory Medicine, University of Washington
Classification: Uncertain significance for Dystonia 28, childhood-onset; Intellectual developmental disorder, autosomal dominant 68. Last evaluated: 2022-07-12. Review status: criteria provided, single submitter. Criteria: ACMG Guidelines, 2015. Collection method: clinical testing. Allele origin: de novo. Affected: yes.
Comment: This variant was absent from large population databases, including the Genome Aggregation Database. The p.Tyr2604His variant is located in the SET-binding domain of the KMT2B protein. Other disease associated missense variants have been described in this domain (Cif 2020). The KMT2B gene has fewer missense variants in the general population than expected. A low rate of missense variation may suggest that this gene is intolerant to missense variation. In silico tools predict that the p.Tyr2604His is deleterious; however, these predictions have not been tested directly. Using ACMG guidelines, this variant was classified as a variant of uncertain significance (ACMG evidence codes used: PS2_supporting, PM1_supporting, PM2_supporting, PP2, PP3).